The following is an entry in ClinVar:

NM_001040108.2(MLH3):c.3280+8C>T

Gene: MLH3 (mutL homolog 3; minus strand). Cytogenetic location: 14q24.3.
Variant type: single nucleotide variant.
Coding change: c.3280+8C>T on transcript NM_001040108.2 (MANE Select); 8 bases into the intron after coding-DNA position 3280, C replaced by T.
Molecular consequence: intron variant.
Genome position (GRCh38, 1-based): chr14:75,046,368, G>A on the plus strand (C>T on the coding strand, the complement: MLH3 is on the minus strand). VCF-style: chr14-75046368-G-A. GRCh37 (hg19) VCF-style: chr14-75513071-G-A.
Other names: c.3280+8C>T (NM_014381.3).
Identifiers: ClinVar variation 544294 (VCV000544294.10), dbSNP rs544870680, ClinGen allele CA7275563.

ClinVar aggregate classification (germline): Likely benign. Review status: criteria provided, multiple submitters, no conflicts (2 of 4 stars). 2 submissions from 2 submitters: Likely benign (2). Last evaluated 2026-04-28.

Conditions:
Colorectal cancer, hereditary nonpolyposis, type 7. Identifiers: Orphanet 144, MedGen C1858380, MONDO:0013725, OMIM 614385.

Allele frequency attached by ClinVar (database versions not stated): TOPMed 0.00006; ExAC 0.00002; gnomAD exomes 0.00003 and 0.00001; gnomAD 0.00007; 1000 Genomes Project 0.00020; 1000 Genomes Project 30x 0.00031.
gnomAD v4.1: 31 of 1,613,888 alleles (0.0019%); highest among the groups gnomAD compares: African/African-American, 0.029%; no homozygotes.

Submissions (2):

Myriad Genetics, Inc.
Classification: Likely benign for Colorectal cancer, hereditary nonpolyposis, type 7. Last evaluated: 2026-04-28. Review status: criteria provided, single submitter. Criteria: Myriad Autosomal Dominant, Autosomal Recessive and X-Linked Classification Criteria (2023). Collection method: clinical testing. Allele origin: unknown.
Comment: This variant is considered likely benign. This variant is intronic and is not expected to impact mRNA splicing.

Labcorp Genetics (formerly Invitae), Labcorp
Classification: Likely benign for Colorectal cancer, hereditary nonpolyposis, type 7. Last evaluated: 2025-05-11. Review status: criteria provided, single submitter. Criteria: Invitae Variant Classification Sherloc (09022015). Collection method: clinical testing. Allele origin: germline.